The following is an entry in ClinVar:

ClinVar aggregate classification (germline): Uncertain significance (1 of 4 stars; one submission).

gnomAD v4.1: 3 of 1,614,058 alleles (0.00019%); highest among the groups gnomAD compares: Admixed American, 0.005%; no homozygotes.

Submission:

Labcorp Genetics (formerly Invitae), Labcorp
Classification: Uncertain significance. Last evaluated: 2025-10-21. Review status: criteria provided, single submitter. Criteria: Invitae Variant Classification Sherloc (09022015). Collection method: clinical testing. Allele origin: germline.
Comment: This sequence change replaces glutamic acid, which is acidic and polar, with aspartic acid, which is acidic and polar, at codon 947 of the NIN protein (p.Glu947Asp). This variant is present in population databases (rs767106550, gnomAD 0.006%). This variant has not been reported in the literature in individuals affected with NIN-related conditions. ClinVar contains an entry for this variant (Variation ID: 3632566). An algorithm developed to predict the effect of missense changes on protein structure and function (PolyPhen-2) suggests that this variant is likely to be tolerated. In summary, the available evidence is currently insufficient to determine the role of this variant in disease. Therefore, it has been classified as a Variant of Uncertain Significance.

NM_020921.4(NIN):c.2841A>C (p.Glu947Asp)

Gene: NIN (ninein; minus strand). Cytogenetic location: 14q22.1.
Variant type: single nucleotide variant.
Coding change: c.2841A>C on transcript NM_020921.4 (MANE Select); coding-DNA position 2841, A replaced by C.
Protein change: p.Glu947Asp; replaces glutamic acid 947 with aspartic acid.
Molecular consequence: missense variant. On other transcripts: intron variant (1).
Genome position (GRCh38, 1-based): chr14:50,758,189, T>G on the plus strand (A>C on the coding strand, the complement: NIN is on the minus strand). VCF-style: chr14-50758189-T-G. GRCh37 (hg19) VCF-style: chr14-51224907-T-G.
Other names: c.2841A>C, p.Glu947Asp (NM_182944.3, NM_182946.2); c.2399+1668A>C (NM_016350.5); short protein forms E947D.
Identifiers: ClinVar variation 3632566 (VCV003632566.2).